The following is an entry in ClinVar:

NM_001267550.2(TTN):c.7060C>T (p.Arg2354Cys)

Genes: TTN (titin; minus strand), LOC126806433 (BRD4-independent group 4 enhancer GRCh37_chr2:179638309-179639508; plus strand). Cytogenetic location: 2q31.2.
Variant type: single nucleotide variant.
Coding change: c.7060C>T on transcript NM_001267550.2 (MANE Select); coding-DNA position 7060, C replaced by T.
Protein change: p.Arg2354Cys; replaces arginine 2354 with cysteine.
Molecular consequence: missense variant.
Genome position (GRCh38, 1-based): chr2:178,774,108, G>A on the plus strand (C>T on the coding strand, the complement: TTN is on the minus strand). VCF-style: chr2-178774108-G-A. GRCh37 (hg19) VCF-style: chr2-179638835-G-A.
Other names: p.R2354C:CGC>TGC; c.7060C>T, p.Arg2354Cys (NM_001256850.1, NM_133378.4, NM_133379.5); c.6922C>T, p.Arg2308Cys (NM_003319.4, NM_133432.3, NM_133437.4); short protein forms R2354C, R2308C.
Identifiers: ClinVar variation 166310 (VCV000166310.25), dbSNP rs145039979, ClinGen allele CA179276.

ClinVar aggregate classification (germline): Conflicting classifications of pathogenicity. Review status: criteria provided, conflicting classifications (1 of 4 stars). 11 submissions from 11 submitters: Uncertain significance (6); Likely benign (3). 2 of the submissions do not count toward it. Last evaluated 2025-02-24.

Conditions:
TTN-related disorder. Also called: TTN-related condition; TTN-related disease; TTN-related disorders.
Cardiovascular phenotype. Identifiers: MedGen CN230736.
Autosomal recessive limb-girdle muscular dystrophy type 2J (LGMDR10). Also called: Limb-girdle muscular dystrophy, type 2J; MUSCULAR DYSTROPHY, LIMB-GIRDLE, AUTOSOMAL RECESSIVE 10. Identifiers: Orphanet 140922, MedGen C1837342, MONDO:0012127, OMIM 608807.
Dilated cardiomyopathy 1G (CMD1G). Identifiers: Orphanet 154, MedGen C1858763, MONDO:0011400, OMIM 604145.
Cardiomyopathy (CMYO). Also called: Cardiomyopathies. Identifiers: Orphanet 167848, MedGen C0878544, MONDO:0004994, HP:0001638. Inheritance: Various modes of inheritance.
Hypertrophic cardiomyopathy. Also called: HYPERTROPHIC MYOCARDIOPATHY. Identifiers: Orphanet 217569, MedGen C0007194, MeSH D002312, MONDO:0005045, HP:0001639.

Allele frequency attached by ClinVar (database versions not stated): ESP Exome Variant Server 0.00008; ExAC 0.00012; gnomAD exomes 0.00012; gnomAD 0.00021 and 0.00022; TOPMed 0.00026; 1000 Genomes Project 30x 0.00062; 1000 Genomes Project 0.00080.
gnomAD v4.1: 133 of 1,614,004 alleles (0.0082%); highest among the groups gnomAD compares: Middle Eastern, 0.099%; 1 homozygote.

Submissions (11):

Athena Diagnostics
Classification: Uncertain significance. Last evaluated: 2025-02-24. Review status: criteria provided, single submitter. Criteria: Athena Diagnostics Criteria. Collection method: clinical testing. Allele origin: unknown.
Comment: Available data are insufficient to determine the clinical significance of the variant at this time. The frequency of this variant in the general population is uninformative in assessment of its pathogenicity. Polyphen and MutationTaster yielded discordant predictions regarding whether this amino acid change is damaging to the protein.

Revvity Omics, Revvity
Classification: Uncertain significance. Last evaluated: 2024-07-16. Review status: criteria provided, single submitter. Criteria: ACMG Guidelines, 2015. Collection method: clinical testing. Allele origin: germline.

Blueprint Genetics
Classification: Likely benign. Last evaluated: 2024-01-12. Review status: criteria provided, single submitter. Criteria: ACMG Guidelines, 2015. Collection method: clinical testing. Allele origin: germline.

CHEO Genetics Diagnostic Laboratory, Children's Hospital of Eastern Ontario
Classification: Uncertain significance for Cardiomyopathy. Last evaluated: 2021-01-29. Review status: criteria provided, single submitter. Criteria: ACMG Guidelines, 2015. Collection method: clinical testing. Allele origin: germline.

Ambry Genetics
Classification: Likely benign for Cardiovascular phenotype. Last evaluated: 2019-07-29. Review status: criteria provided, single submitter. Criteria: Ambry Variant Classification Scheme 2023. Collection method: clinical testing. Allele origin: germline.

Laboratory for Molecular Medicine, Mass General Brigham Personalized Medicine
Classification: Likely benign. Last evaluated: 2018-04-03. Review status: criteria provided, single submitter. Criteria: LMM Criteria. Collection method: clinical testing. Allele origin: germline. Observed: 4 variant alleles.
Comment: proposed classification - variant undergoing re-assessment, contact laboratory

Labcorp Genetics (formerly Invitae), Labcorp
Classification: Uncertain significance for Dilated cardiomyopathy 1G; Autosomal recessive limb-girdle muscular dystrophy type 2J. Last evaluated: 2017-10-14. Review status: criteria provided, single submitter. Criteria: Invitae Variant Classification Sherloc (09022015). Collection method: clinical testing. Allele origin: germline.

Eurofins Ntd Llc (ga)
Classification: Uncertain significance. Last evaluated: 2016-10-03. Review status: criteria provided, single submitter. Criteria: EGL Classification Definitions 2015. Collection method: clinical testing. Allele origin: germline. Observed: 2 variant alleles, 2 heterozygotes.

Genetics and Genomics Program, Sidra Medicine
Classification: Uncertain significance for Hypertrophic cardiomyopathy. Review status: criteria provided, single submitter. Criteria: ACMG Guidelines, 2015. Collection method: research. Allele origin: unknown. Affected: yes. Observed: 1 variant allele.

PreventionGenetics, part of Exact Sciences
Classification: Uncertain significance for TTN-related condition. Last evaluated: 2024-08-16. Review status: no assertion criteria provided. Collection method: clinical testing. Allele origin: germline. Not counted in ClinVar's aggregate classification.
Comment: The TTN c.7060C>T variant is predicted to result in the amino acid substitution p.Arg2354Cys. This variant has been reported in an individual with hypertrophic cardiomyopathy (Table S2, Burstein et al. 2021. PubMed ID: 32746448). This variant is reported in 0.029% of alleles in individuals of South Asian descent in gnomAD, including one homozygote. Although we suspect that this variant may be benign, at this time, the clinical significance of this variant is uncertain due to the absence of conclusive functional and genetic evidence.

GeneDx
No classification provided. Last evaluated: 2013-04-17. Review status: no classification provided. Criteria: GeneDx Variant Classification (06012015). Collection method: clinical testing. Allele origin: germline. Affected: yes. Not counted in ClinVar's aggregate classification.
Comment: Missense variants in the TTN gene are considered 'unclassified' if they are not previously reported in the literature and do not have >1% frequency in the population to be considered a polymorphism. Research indicates that truncating mutations in the TTN gene are expected to account for approximately 25% of familial and 18% of sporadic idiopathic DCM; however, truncating variants in the TTN gene have been reported in approximately 3% of reported control alleles. There has been little investigation into non-truncating variants. (Herman D et al. Truncations of titin causing dilated cardiomyopathy. N Eng J Med 366:619-628, 2012) The variant is found in DCM panel(s).

Literature cited by the submitters: PubMed 34137518 (cited by Athena Diagnostics); PubMed 38380180 (cited by Athena Diagnostics); PubMed 32746448 (cited by Athena Diagnostics).